The following is an entry in ClinVar:

NM_001127208.3(TET2):c.2966C>T (p.Pro989Leu)

Genes: TET2 (tet methylcytosine dioxygenase 2; plus strand), TET2-AS1 (TET2 antisense RNA 1; minus strand). Cytogenetic location: 4q24.
Variant type: single nucleotide variant.
Coding change: c.2966C>T on transcript NM_001127208.3 (MANE Select); coding-DNA position 2966, C replaced by T.
Protein change: p.Pro989Leu; replaces proline 989 with leucine.
Molecular consequence: missense variant.
Genome position (GRCh38, 1-based): chr4:105,236,908, C>T. VCF-style: chr4-105236908-C-T. GRCh37 (hg19) VCF-style: chr4-106158065-C-T.
Other names: c.2966C>T, p.Pro989Leu (NM_017628.4); short protein forms P989L.
Identifiers: ClinVar variation 3967657 (VCV003967657.1).

ClinVar aggregate classification (germline): Uncertain significance (1 of 4 stars; one submission).

Submission:

Ambry Genetics
Classification: Uncertain significance. Last evaluated: 2025-05-21. Review status: criteria provided, single submitter. Criteria: Ambry Variant Classification Scheme 2023. Collection method: clinical testing. Allele origin: germline.
Comment: The p.P989L variant (also known as c.2966C>T), located in coding exon 1 of the TET2 gene, results from a C to T substitution at nucleotide position 2966. The proline at codon 989 is replaced by leucine, an amino acid with similar properties. This amino acid position is conserved. In addition, this alteration is predicted to be tolerated by in silico analysis. Based on the available evidence, the clinical significance of this variant remains unclear.